The following is an entry in ClinVar:

NM_201384.3(PLEC):c.10801C>G (p.Arg3601Gly)

Gene: PLEC (plectin; minus strand). Cytogenetic location: 8q24.3.
Variant type: single nucleotide variant.
Coding change: c.10801C>G on transcript NM_201384.3 (MANE Select); coding-DNA position 10801, C replaced by G.
Protein change: p.Arg3601Gly; replaces arginine 3601 with glycine.
Molecular consequence: missense variant.
Genome position (GRCh38, 1-based): chr8:143,919,020, G>C on the plus strand (C>G on the coding strand, the complement: PLEC is on the minus strand). VCF-style: chr8-143919020-G-C. GRCh37 (hg19) VCF-style: chr8-144993188-G-C.
Other names: c.10882C>G, p.Arg3628Gly (NM_000445.5); c.7501C>G, p.Arg2501Gly (NM_001410941.1); c.10759C>G, p.Arg3587Gly (NM_201378.4); c.10735C>G, p.Arg3579Gly (NM_201379.3); c.11212C>G, p.Arg3738Gly (NM_201380.4); c.10705C>G, p.Arg3569Gly (NM_201381.3); c.10801C>G, p.Arg3601Gly (NM_201382.4); c.10813C>G, p.Arg3605Gly (NM_201383.3); short protein forms R3587G, R3605G, R2501G, R3569G, R3601G, R3738G, R3579G, R3628G.
Identifiers: ClinVar variation 4784756 (VCV004784756.1).

ClinVar aggregate classification (germline): Uncertain significance (1 of 4 stars; one submission).

Conditions:
Epidermolysis bullosa simplex with nail dystrophy (EBS5D). Identifiers: MedGen C4225309, MONDO:0014661, OMIM 616487.
Epidermolysis bullosa simplex, Ogna type (EBS5A). Also called: Pidermolysis bullosa simplex 5A, Ogna type; EPIDERMOLYSIS BULLOSA SIMPLEX 5A, OGNA TYPE. Identifiers: Orphanet 79401, MedGen C0432317, MONDO:0007555, OMIM 131950.
Epidermolysis bullosa simplex 5B, with muscular dystrophy (EBS5B). Also called: Epidermolysis bullosa simplex with muscular dystrophy; EPIDERMOLYSIS BULLOSA SIMPLEX AND LIMB-GIRDLE MUSCULAR DYSTROPHY. Identifiers: Orphanet 257, MedGen C2931072, MONDO:0009181, OMIM 226670.
Autosomal recessive limb-girdle muscular dystrophy type 2Q (LGMDR17). Also called: MUSCULAR DYSTROPHY, LIMB-GIRDLE, AUTOSOMAL RECESSIVE 17. Identifiers: Orphanet 254361, MedGen C3150989, MONDO:0013390, OMIM 613723.
Epidermolysis bullosa simplex 5C, with pyloric atresia (EBS5C). Also called: PLEC-Related Epidermolysis Bullosa with Pyloric Atresia; Epidermolysis bullosa simplex with pyloric atresia; PLEC1-Related Epidermolysis Bullosa with Pyloric Atresia. Identifiers: Orphanet 158684, MedGen C2677349, MONDO:0012807, OMIM 612138.

gnomAD v4.1: 3 of 1,611,040 alleles (0.00019%); highest among the groups gnomAD compares: Non-Finnish European, 0.00017%; no homozygotes.

Submission:

Labcorp Genetics (formerly Invitae), Labcorp
Classification: Uncertain significance for Autosomal recessive limb-girdle muscular dystrophy type 2Q; Epidermolysis bullosa simplex, Ogna type; Epidermolysis bullosa simplex with nail dystrophy; Epidermolysis bullosa simplex 5C, with pyloric atresia; Epidermolysis bullosa simplex 5B, with muscular dystrophy. Last evaluated: 2025-02-27. Review status: criteria provided, single submitter. Criteria: Invitae Variant Classification Sherloc (09022015). Collection method: clinical testing. Allele origin: germline.
Comment: This sequence change replaces arginine, which is basic and polar, with glycine, which is neutral and non-polar, at codon 3628 of the PLEC protein (p.Arg3628Gly). This variant is not present in population databases (gnomAD no frequency). This variant has not been reported in the literature in individuals affected with PLEC-related conditions. An algorithm developed to predict the effect of missense changes on protein structure and function (PolyPhen-2) suggests that this variant is likely to be disruptive. In summary, the available evidence is currently insufficient to determine the role of this variant in disease. Therefore, it has been classified as a Variant of Uncertain Significance.